The following is an entry in ClinVar:

NM_000264.5(PTCH1):c.2260A>G (p.Ile754Val)

Genes: PTCH1 (patched 1; minus strand), LOC100507346 (uncharacterized LOC100507346; plus strand). Cytogenetic location: 9q22.32.
Variant type: single nucleotide variant.
Coding change: c.2260A>G on transcript NM_000264.5 (MANE Select); coding-DNA position 2260, A replaced by G.
Protein change: p.Ile754Val; replaces isoleucine 754 with valine.
Molecular consequence: missense variant. On other transcripts: non-coding transcript variant (1).
Genome position (GRCh38, 1-based): chr9:95,467,416, T>C on the plus strand (A>G on the coding strand, the complement: PTCH1 is on the minus strand). VCF-style: chr9-95467416-T-C. GRCh37 (hg19) VCF-style: chr9-98229698-T-C.
Other names: c.2062A>G, p.Ile688Val (NM_001083602.3); c.2257A>G, p.Ile753Val (NM_001083603.3); c.1807A>G, p.Ile603Val (NM_001083604.3, NM_001083605.3, NM_001083606.3 and 1 more transcripts); c.2104A>G, p.Ile702Val (NM_001354918.2); short protein forms I753V, I688V, I603V, I702V, I754V.
Identifiers: ClinVar variation 2143906 (VCV002143906.4), dbSNP rs2538134173, ClinGen allele CA374114754.

ClinVar aggregate classification (germline): Uncertain significance (1 of 4 stars; one submission).

Conditions:
Gorlin syndrome. Also called: Nevoid Basal Cell Carcinoma Syndrome; Basal cell nevus syndrome. Identifiers: Orphanet 377, MedGen C0004779, MONDO:0007187.

Allele frequency attached by ClinVar (database versions not stated): gnomAD exomes 0.00001.
gnomAD v4.1: 8 of 1,613,958 alleles (0.0005%); highest among the groups gnomAD compares: Non-Finnish European, 0.00068%; no homozygotes.

Submission:

Labcorp Genetics (formerly Invitae), Labcorp
Classification: Uncertain significance for Gorlin syndrome. Last evaluated: 2025-07-31. Review status: criteria provided, single submitter. Criteria: Invitae Variant Classification Sherloc (09022015). Collection method: clinical testing. Allele origin: germline.
Comment: This sequence change replaces isoleucine, which is neutral and non-polar, with valine, which is neutral and non-polar, at codon 754 of the PTCH1 protein (p.Ile754Val). This variant is not present in population databases (gnomAD no frequency). This variant has not been reported in the literature in individuals affected with PTCH1-related conditions. ClinVar contains an entry for this variant (Variation ID: 2143906). Invitae Evidence Modeling of protein sequence and biophysical properties (such as structural, functional, and spatial information, amino acid conservation, physicochemical variation, residue mobility, and thermodynamic stability) indicates that this missense variant is not expected to disrupt PTCH1 protein function with a negative predictive value of 95%. In summary, the available evidence is currently insufficient to determine the role of this variant in disease. Therefore, it has been classified as a Variant of Uncertain Significance.